The following is an entry in ClinVar:

ClinVar aggregate classification (germline): Uncertain significance (1 of 4 stars; one submission).

gnomAD v4.1: 9 of 1,211,328 alleles (0.00074%); highest among the groups gnomAD compares: Non-Finnish European, 0.001%; no homozygotes.

Submission:

GeneDx
Classification: Uncertain significance. Last evaluated: 2024-01-16. Review status: criteria provided, single submitter. Criteria: GeneDx Variant Classification Process June 2021. Collection method: clinical testing. Allele origin: germline. Affected: yes.
Comment: Not observed at significant frequency in large population cohorts (gnomAD); In silico analysis supports that this variant does not alter splicing; Has not been previously published as pathogenic or benign to our knowledge

NM_001159702.3(FHL1):c.785G>C (p.Ser262Thr)

Gene: FHL1 (four and a half LIM domains 1; plus strand). Cytogenetic location: Xq26.3.
Variant type: single nucleotide variant.
Coding change: c.785G>C on transcript NM_001159702.3 (MANE Plus Clinical); coding-DNA position 785, G replaced by C.
Protein change: p.Ser262Thr; replaces serine 262 with threonine.
Molecular consequence: missense variant. On other transcripts: intron variant (11).
Genome position (GRCh38, 1-based): chrX:136,209,339, G>C. VCF-style: chrX-136209339-G-C. GRCh37 (hg19) VCF-style: chrX-135291498-G-C.
Other names: c.785G>C, p.Ser262Thr (NM_001369326.1, NM_001369327.2, NM_001369328.1); c.689-532G>C (NM_001449.5, NM_001369329.1, NM_001369330.1 and 4 more transcripts); c.502-532G>C (NM_001159703.2); c.776-532G>C (NM_001159701.2); c.737-532G>C (NM_001159699.2); c.550-532G>C (NM_001330659.2); short protein forms S262T.
Identifiers: ClinVar variation 3367953 (VCV003367953.1).